The following is an entry in ClinVar:

NM_020381.4(PDSS2):c.181G>A (p.Gly61Arg)

Gene: PDSS2 (decaprenyl diphosphate synthase subunit 2; minus strand). Cytogenetic location: 6q21.
Variant type: single nucleotide variant.
Coding change: c.181G>A on transcript NM_020381.4 (MANE Select); coding-DNA position 181, G replaced by A.
Protein change: p.Gly61Arg; replaces glycine 61 with arginine.
Molecular consequence: missense variant.
Genome position (GRCh38, 1-based): chr6:107,459,105, C>T on the plus strand (G>A on the coding strand, the complement: PDSS2 is on the minus strand). VCF-style: chr6-107459105-C-T. GRCh37 (hg19) VCF-style: chr6-107780309-C-T.
Other names: short protein forms G61R.
Identifiers: ClinVar variation 2049193 (VCV002049193.4), dbSNP rs2482664494, ClinGen allele CA365325932.

ClinVar aggregate classification (germline): Uncertain significance (1 of 4 stars; one submission).

Submission:

Labcorp Genetics (formerly Invitae), Labcorp
Classification: Uncertain significance. Last evaluated: 2022-02-22. Review status: criteria provided, single submitter. Criteria: Invitae Variant Classification Sherloc (09022015). Collection method: clinical testing. Allele origin: germline.
Comment: Algorithms developed to predict the effect of missense changes on protein structure and function are either unavailable or do not agree on the potential impact of this missense change (SIFT: "Deleterious"; PolyPhen-2: "Probably Damaging"; Align-GVGD: "Class C0"). This variant has not been reported in the literature in individuals affected with PDSS2-related conditions. This variant is not present in population databases (gnomAD no frequency). This sequence change replaces glycine, which is neutral and non-polar, with arginine, which is basic and polar, at codon 61 of the PDSS2 protein (p.Gly61Arg). In summary, the available evidence is currently insufficient to determine the role of this variant in disease. Therefore, it has been classified as a Variant of Uncertain Significance.